The following is an entry in ClinVar:

NM_000059.4(BRCA2):c.1041del (p.Gln347_Val348insTer)

Gene: BRCA2 (BRCA2 DNA repair associated; plus strand). Cytogenetic location: 13q13.1.
Variant type: Deletion.
Coding change: c.1041del on transcript NM_000059.4 (MANE Select); coding-DNA position 1041, one base deleted (A; older notation c.1041delA).
Protein change: p.Gln347_Val348insTer.
Molecular consequence: frameshift variant.
Genome position (GRCh38, 1-based): chr13:32,332,519, A deleted; the last of 2 consecutive A bases (chr13:32,332,518-32,332,519); deleting either gives the same sequence. VCF-style (leftmost placement, unchanged base first): chr13-32332517-CA-C. GRCh37 (hg19) VCF-style: chr13-32906654-CA-C.
Other names: c.1041delA (NM_000059.3).
Identifiers: ClinVar variation 628962 (VCV000628962.6), dbSNP rs1566222651, ClinGen allele CA913188598.
Genomic context (GRCh38, chr13:32,332,517, plus strand): 5'-AAGACTAGGAAAAAAATTTTCCATGAAGCAAACGCTGATGAATGTGAAAAATCTAAAAAC[CA>C]AGTGAAAGAAAAATACTCATTTGTATCTGAAGTGGAACCAAATGATACTGATCCATTAGA-3'

ClinVar aggregate classification (germline): Pathogenic (1 of 4 stars; one submission).

Conditions:
Hereditary cancer-predisposing syndrome. Also called: Neoplastic Syndromes, Hereditary; Tumor predisposition; Hereditary neoplastic syndrome; Hereditary Cancer Syndrome. Identifiers: Orphanet 140162, MedGen C0027672, MeSH D009386, MONDO:0015356.

Submission:

Color Diagnostics, LLC DBA Color Health
Classification: Pathogenic for Hereditary cancer-predisposing syndrome. Last evaluated: 2020-01-15. Review status: criteria provided, single submitter. Criteria: ACMG Guidelines, 2015. Collection method: clinical testing. Allele origin: germline.
Comment: This variant deletes 1 nucleotide in exon 10 of the BRCA2 gene, creating a frameshift and premature translation stop signal. This variant is expected to result in an absent or non-functional protein product. This variant has not been identified in the general population by the Genome Aggregation Database (gnomAD). Loss of BRCA2 function is a known mechanism of disease. Based on the available evidence, this variant is classified as Pathogenic.